The following is an entry in ClinVar:

NM_004974.4(KCNA2):c.1054G>A (p.Asp352Asn)

Gene: KCNA2 (potassium voltage-gated channel subfamily A member 2; minus strand). Cytogenetic location: 1p13.3.
Variant type: single nucleotide variant.
Coding change: c.1054G>A on transcript NM_004974.4 (MANE Select); coding-DNA position 1054, G replaced by A.
Protein change: p.Asp352Asn; replaces aspartic acid 352 with asparagine.
Molecular consequence: missense variant. On other transcripts: intron variant (1).
Genome position (GRCh38, 1-based): chr1:110,603,729, C>T on the plus strand (G>A on the coding strand, the complement: KCNA2 is on the minus strand). VCF-style: chr1-110603729-C-T. GRCh37 (hg19) VCF-style: chr1-111146351-C-T.
Other names: c.894+160G>A (NM_001204269.2); short protein forms D352N.
Identifiers: ClinVar variation 1717868 (VCV001717868.6), dbSNP rs1270837574, ClinGen allele CA341602139.

ClinVar aggregate classification (germline): Uncertain significance (1 of 4 stars; one submission).

Conditions:
Developmental and epileptic encephalopathy, 32 (DEE32). Also called: Epileptic encephalopathy, early infantile, 32. Identifiers: Orphanet 442835, MedGen C4225350, MONDO:0014607, OMIM 616366.

Allele frequency attached by ClinVar (database versions not stated): gnomAD exomes below 0.00001.

Submission:

Labcorp Genetics (formerly Invitae), Labcorp
Classification: Uncertain significance for Developmental and epileptic encephalopathy, 32. Last evaluated: 2025-01-27. Review status: criteria provided, single submitter. Criteria: Invitae Variant Classification Sherloc (09022015). Collection method: clinical testing. Allele origin: germline.
Comment: This sequence change replaces aspartic acid, which is acidic and polar, with asparagine, which is neutral and polar, at codon 352 of the KCNA2 protein (p.Asp352Asn). This variant is present in population databases (no rsID available, gnomAD 0.0009%). This variant has not been reported in the literature in individuals affected with KCNA2-related conditions. ClinVar contains an entry for this variant (Variation ID: 1717868). Invitae Evidence Modeling of protein sequence and biophysical properties (such as structural, functional, and spatial information, amino acid conservation, physicochemical variation, residue mobility, and thermodynamic stability) has been performed for this missense variant. However, the output from this modeling did not meet the statistical confidence thresholds required to predict the impact of this variant on KCNA2 protein function. In summary, the available evidence is currently insufficient to determine the role of this variant in disease. Therefore, it has been classified as a Variant of Uncertain Significance.